The following is an entry in ClinVar:

NM_005144.5(HR):c.2698G>A (p.Ala900Thr)

Gene: HR (HR lysine demethylase and nuclear receptor corepressor; minus strand). Cytogenetic location: 8p21.3.
Variant type: single nucleotide variant.
Coding change: c.2698G>A on transcript NM_005144.5 (MANE Select); coding-DNA position 2698, G replaced by A.
Protein change: p.Ala900Thr; replaces alanine 900 with threonine.
Molecular consequence: missense variant.
Genome position (GRCh38, 1-based): chr8:22,120,420, C>T on the plus strand (G>A on the coding strand, the complement: HR is on the minus strand). VCF-style: chr8-22120420-C-T. GRCh37 (hg19) VCF-style: chr8-21977933-C-T.
Other names: c.2698G>A (NM_005144.4); c.2698G>A, p.Ala900Thr (NM_018411.4); short protein forms A900T.
Identifiers: ClinVar variation 1050138 (VCV001050138.7), dbSNP rs367558699, ClinGen allele CA4662041.

ClinVar aggregate classification (germline): Uncertain significance. Review status: criteria provided, multiple submitters, no conflicts (2 of 4 stars). 3 submissions from 3 submitters: Uncertain significance (2). 1 of the submissions does not count toward it. Last evaluated 2024-04-30.

Conditions:
Inborn genetic diseases. Identifiers: MedGen C0950123, MeSH D030342.

Allele frequency attached by ClinVar (database versions not stated): gnomAD 0.00002; gnomAD exomes 0.00003 and 0.00007; TOPMed 0.00004; ExAC 0.00010; ESP Exome Variant Server 0.00015.
gnomAD v4.1: 55 of 1,613,876 alleles (0.0034%); highest among the groups gnomAD compares: Middle Eastern, 0.05%; 2 homozygotes.

Submissions (3):

Ambry Genetics
Classification: Uncertain significance for Inborn genetic diseases. Last evaluated: 2024-04-30. Review status: criteria provided, single submitter. Criteria: Ambry Variant Classification Scheme 2023. Collection method: clinical testing. Allele origin: germline.

Labcorp Genetics (formerly Invitae), Labcorp
Classification: Uncertain significance. Last evaluated: 2023-12-07. Review status: criteria provided, single submitter. Criteria: Invitae Variant Classification Sherloc (09022015). Collection method: clinical testing. Allele origin: germline.
Comment: This sequence change replaces alanine, which is neutral and non-polar, with threonine, which is neutral and polar, at codon 900 of the HR protein (p.Ala900Thr). This variant is present in population databases (rs367558699, gnomAD 0.03%). This variant has not been reported in the literature in individuals affected with HR-related conditions. ClinVar contains an entry for this variant (Variation ID: 1050138). Algorithms developed to predict the effect of missense changes on protein structure and function output the following: SIFT: "Not Available"; PolyPhen-2: "Benign"; Align-GVGD: "Not Available". The threonine amino acid residue is found in multiple mammalian species, which suggests that this missense change does not adversely affect protein function. In summary, the available evidence is currently insufficient to determine the role of this variant in disease. Therefore, it has been classified as a Variant of Uncertain Significance.

Department of Pathology and Laboratory Medicine, Sinai Health System
Classification: Uncertain significance. Review status: no assertion criteria provided. Collection method: clinical testing. Allele origin: unknown. Affected: yes. Study: The Canadian Open Genetics Repository (COGR). Not counted in ClinVar's aggregate classification.
Comment: The HR p.A900T variant was not identified in the literature nor was it identified in ClinVar. The variant was identified in dbSNP (ID: rs367558699) and in control databases in 18 of 251140 chromosomes at a frequency of 0.00007167 (Genome Aggregation Database March 6, 2019, v2.1.1). The p.A900 residue is not conserved in mammals and computational analyses (MUT Assesor, PolyPhen-2, SIFT, MutationTaster, Revel, FATHMM, MetaLR, DANN) do not suggest a high likelihood of impact to the protein; this information is not predictive enough to rule out pathogenicity. The variant occurs outside of the splicing consensus sequence and in silico or computational prediction software programs (Splice AI exome) do not predict a difference in splicing. In summary, based on the above information the clinical significance of this variant cannot be determined with certainty at this time. This variant is classified as a variant of uncertain significance.